The following is an entry in ClinVar:

NM_001369268.1(ACAN):c.1051+1G>A

Gene: ACAN (aggrecan; plus strand). Cytogenetic location: 15q26.1.
Variant type: single nucleotide variant.
Coding change: c.1051+1G>A on transcript NM_001369268.1 (MANE Select); the canonical splice donor site of the intron after coding-DNA position 1051, G replaced by A.
Molecular consequence: splice donor variant.
Genome position (GRCh38, 1-based): chr15:88,843,649, G>A. VCF-style: chr15-88843649-G-A. GRCh37 (hg19) VCF-style: chr15-89386880-G-A.
Other names: c.1051+1G>A (NM_013227.4, NM_001411097.1, NM_001411096.1 and 1 more transcripts).
Identifiers: ClinVar variation 1348043 (VCV001348043.6), dbSNP rs2141577390, ClinGen allele CA393708153.

ClinVar aggregate classification (germline): Likely pathogenic (1 of 4 stars; one submission).

Submission:

Labcorp Genetics (formerly Invitae), Labcorp
Classification: Likely pathogenic. Last evaluated: 2024-02-24. Review status: criteria provided, single submitter. Criteria: Invitae Variant Classification Sherloc (09022015). Collection method: clinical testing. Allele origin: germline.
Comment: This sequence change affects a donor splice site in intron 6 of the ACAN gene. It is expected to disrupt RNA splicing. Variants that disrupt the donor or acceptor splice site typically lead to a loss of protein function (PMID: 16199547), and loss-of-function variants in ACAN are known to be pathogenic (PMID: 16080123, 24762113). This variant is not present in population databases (gnomAD no frequency). Disruption of this splice site has been observed in individual(s) with short stature (PMID: 35001504). ClinVar contains an entry for this variant (Variation ID: 1348043). Algorithms developed to predict the effect of sequence changes on RNA splicing suggest that this variant may disrupt the consensus splice site. In summary, the currently available evidence indicates that the variant is pathogenic, but additional data are needed to prove that conclusively. Therefore, this variant has been classified as Likely Pathogenic.

Literature cited by the submitters: PubMed 16199547; PubMed 16080123; PubMed 24762113; PubMed 35001504.